The following is an entry in ClinVar:

NM_000255.4(MMUT):c.257C>T (p.Pro86Leu)

Gene: MMUT (methylmalonyl-CoA mutase; minus strand). Cytogenetic location: 6p12.3.
Variant type: single nucleotide variant.
Coding change: c.257C>T on transcript NM_000255.4 (MANE Select); coding-DNA position 257, C replaced by T.
Protein change: p.Pro86Leu; replaces proline 86 with leucine.
Molecular consequence: missense variant.
Genome position (GRCh38, 1-based): chr6:49,459,210, G>A on the plus strand (C>T on the coding strand, the complement: MMUT is on the minus strand). VCF-style: chr6-49459210-G-A. GRCh37 (hg19) VCF-style: chr6-49426923-G-A.
Other names: short protein forms P86L.
Identifiers: ClinVar variation 553773 (VCV000553773.14), dbSNP rs769348060, ClinGen allele CA3847150.
Genomic context (GRCh38, chr6:49,459,210, plus strand): 5'-GTCCAGGGCCTAAAGGTATACATGGTAGGATATGGTCCACGTGTGAATGGCTTCACTCCT[G>A]GAAGTTCTTCAGGTAAGTCCATAGTATCTCTCTTGGAATACAAGGGTTTTATAGAGATCC-3'
Protein context (NP_000246.2, residues 76-96): RDTMDLPEEL[Pro86Leu]GVKPFTRGPY

ClinVar aggregate classification (germline): Pathogenic/Likely pathogenic. Review status: criteria provided, multiple submitters, no conflicts (2 of 4 stars). 5 submissions from 5 submitters: Pathogenic (2); Likely pathogenic (2). 1 of the submissions does not count toward it. Last evaluated 2025-04-11.

Conditions:
Methylmalonic aciduria due to complete methylmalonyl-CoA mutase deficiency.
MMUT-related disorder. Also called: MMUT-related condition.
Methylmalonic aciduria due to methylmalonyl-CoA mutase deficiency (MAMM). Also called: Methylmalonic aciduria, mut type. Identifiers: Orphanet 27, MedGen C1855114, MONDO:0009612, OMIM 251000.

Allele frequency attached by ClinVar (database versions not stated): TOPMed below 0.00001; gnomAD exomes 0.00002; gnomAD 0.00001; ExAC 0.00002.
gnomAD v4.1: 31 of 1,614,050 alleles (0.0019%); highest among the groups gnomAD compares: South Asian, 0.0044%; no homozygotes.

Submissions (5):

Natera, Inc.
Classification: Pathogenic for Methylmalonic aciduria due to complete methylmalonyl-CoA mutase deficiency. Last evaluated: 2025-04-11. Review status: criteria provided, single submitter. Criteria: Natera Variant Classification Schema (03/2026). Collection method: clinical testing. Allele origin: germline.
Comment: The c.257C>T variant in MMUT is a missense variant predicted to cause substitution of proline to leucine at amino acid 86. This variant is rare in the general population with a frequency below the threshold expected for the associated phenotype(s). This variant has been observed in one or more individuals affected with the associated recessive disease, as either homozygous or compound heterozygous with a second variant (PMID: 16281286, 32754920, 27233228). Computational prediction algorithms indicate this variant is likely to affect gene or protein function. Given the available evidence, this variant is classified as Pathogenic.

Labcorp Genetics (formerly Invitae), Labcorp
Classification: Pathogenic. Last evaluated: 2024-05-08. Review status: criteria provided, single submitter. Criteria: Invitae Variant Classification Sherloc (09022015). Collection method: clinical testing. Allele origin: germline.
Comment: This sequence change replaces proline, which is neutral and non-polar, with leucine, which is neutral and non-polar, at codon 86 of the MUT protein (p.Pro86Leu). This variant is present in population databases (rs769348060, gnomAD 0.01%). This missense change has been observed in individual(s) with methylmalonic acidemia due to methylmalonyl-CoA mutase deficiency (PMID: 16281286, 24330302, 27233228). ClinVar contains an entry for this variant (Variation ID: 553773). Advanced modeling of protein sequence and biophysical properties (such as structural, functional, and spatial information, amino acid conservation, physicochemical variation, residue mobility, and thermodynamic stability) performed at Invitae indicates that this missense variant is expected to disrupt MUT protein function with a positive predictive value of 95%. For these reasons, this variant has been classified as Pathogenic.

PreventionGenetics, part of Exact Sciences
Classification: Likely pathogenic for MMUT-related condition. Last evaluated: 2023-03-21. Review status: criteria provided, single submitter. Criteria: ACMG Guidelines, 2015. Collection method: clinical testing. Allele origin: germline.
Comment: The MMUT c.257C>T variant is predicted to result in the amino acid substitution p.Pro86Leu. This variant has been reported in the compound heterozygous, presumed compound heterozygous, and homozygous states in individuals with methylmalonic acidemia (Worgan et al. 2006. PubMed ID: 16281286; Patient 31, Chu et al. 2016. PubMed ID: 27233228; Nr. 87, Hörster et al. 2020. PubMed ID: 32754920). The c.257C>T variant was also reported in the homozygous state in two unrelated individuals following newborn screening; however, both patients were asymptomatic (Underhill et al. 2013. PubMed ID: 24330302). This variant was also detected in a study of exome sequencing for inborn errors of metabolism in newborns (Supplemental Table 5, Adhikari et al. 2020. PubMed ID: 32778825). Based on in vitro analysis, the c.257C>T (p.Pro86Leu) variant was reported to result in a mild decrease in enzyme activity relative to control, and it was reported to be a thermolabile substitution (Forny et al. 2014. PubMed ID: 25125334). This variant is reported in 0.0098% of alleles in individuals of South Asian descent in gnomAD and is interpreted as pathogenic/likely pathogenic in ClinVar. This variant is interpreted as likely pathogenic.

Fulgent Genetics
Classification: Likely pathogenic for Methylmalonic aciduria due to methylmalonyl-CoA mutase deficiency. Last evaluated: 2022-03-09. Review status: criteria provided, single submitter. Criteria: ACMG Guidelines, 2015. Collection method: clinical testing. Allele origin: unknown.

Counsyl
Classification: Likely pathogenic for Methylmalonic aciduria due to methylmalonyl-CoA mutase deficiency. Last evaluated: 2017-09-06. Review status: no assertion criteria provided. Collection method: clinical testing. Allele origin: unknown. Not counted in ClinVar's aggregate classification.

Literature cited by the submitters: PubMed 16281286 (cited by 3 submitters); PubMed 32754920 (cited by Natera, Inc.); PubMed 27233228 (cited by 3 submitters); PubMed 24330302 (cited by Labcorp Genetics (formerly Invitae), Labcorp and Counsyl); PubMed 25125334 (cited by Counsyl).